The following is an entry in ClinVar:

ClinVar aggregate classification (germline): Conflicting classifications of pathogenicity. Review status: criteria provided, conflicting classifications (1 of 4 stars). 3 submissions from 3 submitters: Uncertain significance (1); Likely benign (1). 1 of the submissions does not count toward it. Last evaluated 2025-05-19.

Conditions:
Enhanced S-cone syndrome (ESCS). Identifiers: Orphanet 53540, MedGen C1849394, MONDO:0100288, MONDO:0009989.

Allele frequency attached by ClinVar (database versions not stated): gnomAD below 0.00001 and 0.00001; TOPMed below 0.00001; ExAC 0.00002; gnomAD exomes 0.00002 and 0.00003.
gnomAD v4.1: 23 of 1,613,340 alleles (0.0014%); highest among the groups gnomAD compares: South Asian, 0.025%; no homozygotes.

Submissions (3):

Labcorp Genetics (formerly Invitae), Labcorp
Classification: Uncertain significance. Last evaluated: 2025-05-19. Review status: criteria provided, single submitter. Criteria: Invitae Variant Classification Sherloc (09022015). Collection method: clinical testing. Allele origin: germline.
Comment: This sequence change falls in intron 6 of the NR2E3 gene. It does not directly change the encoded amino acid sequence of the NR2E3 protein. It affects a nucleotide within the consensus splice site. This variant is present in population databases (rs768259264, gnomAD 0.02%). This variant has not been reported in the literature in individuals affected with NR2E3-related conditions. ClinVar contains an entry for this variant (Variation ID: 954737). Variants that disrupt the consensus splice site are a relatively common cause of aberrant splicing (PMID: 17576681, 9536098). Algorithms developed to predict the effect of sequence changes on RNA splicing suggest that this variant is not likely to affect RNA splicing. In summary, the available evidence is currently insufficient to determine the role of this variant in disease. Therefore, it has been classified as a Variant of Uncertain Significance.

Blueprint Genetics
Classification: Likely benign. Last evaluated: 2020-02-11. Review status: criteria provided, single submitter. Criteria: ACMG Guidelines, 2015. Collection method: clinical testing. Allele origin: germline.

Natera, Inc.
Classification: Uncertain significance for Enhanced S cone syndrome. Last evaluated: 2020-03-09. Review status: no assertion criteria provided. Collection method: clinical testing. Allele origin: germline. Not counted in ClinVar's aggregate classification.

Literature cited by the submitters: PubMed 17576681 (cited by Labcorp Genetics (formerly Invitae), Labcorp); PubMed 9536098 (cited by Labcorp Genetics (formerly Invitae), Labcorp).

NM_014249.4(NR2E3):c.994+6T>C

Gene: NR2E3 (nuclear receptor subfamily 2 group E member 3; plus strand). Cytogenetic location: 15q23.
Variant type: single nucleotide variant.
Coding change: c.994+6T>C on transcript NM_014249.4 (MANE Select); 6 bases into the intron after coding-DNA position 994, T replaced by C.
Molecular consequence: intron variant.
Genome position (GRCh38, 1-based): chr15:71,813,641, T>C. VCF-style: chr15-71813641-T-C. GRCh37 (hg19) VCF-style: chr15-72105982-T-C.
Other names: c.994+6T>C (NM_016346.4).
Identifiers: ClinVar variation 954737 (VCV000954737.7), dbSNP rs768259264, ClinGen allele CA7640449.